The following is an entry in ClinVar:

NM_006080.3(SEMA3A):c.294C>A (p.Thr98=)

Gene: SEMA3A (semaphorin 3A; minus strand). Cytogenetic location: 7q21.11.
Variant type: single nucleotide variant.
Coding change: c.294C>A on transcript NM_006080.3 (MANE Select); coding-DNA position 294, C replaced by A.
Protein change: p.Thr98=; no amino-acid change (threonine 98 retained).
Molecular consequence: synonymous variant.
Genome position (GRCh38, 1-based): chr7:84,129,162, G>T on the plus strand (C>A on the coding strand, the complement: SEMA3A is on the minus strand). VCF-style: chr7-84129162-G-T. GRCh37 (hg19) VCF-style: chr7-83758478-G-T.
Identifiers: ClinVar variation 4988727 (VCV004988727.1).

ClinVar aggregate classification (germline): Likely benign (1 of 4 stars; one submission).

Conditions:
SEMA3A-related disorder. Also called: SEMA3A-related condition.

gnomAD v4.1: 5 of 1,612,898 alleles (0.00031%); highest among the groups gnomAD compares: African/African-American, 0.0067%; no homozygotes.

Submission:

PreventionGenetics, part of Exact Sciences
Classification: Likely benign for SEMA3A-related condition. Last evaluated: 2026-02-23. Review status: criteria provided, single submitter. Criteria: ACMG Guidelines, 2015. Collection method: clinical testing. Allele origin: germline.
Comment: This variant is classified as likely benign based on ACMG/AMP sequence variant interpretation guidelines (Richards et al. 2015 PMID: 25741868, with internal and published modifications).